The following is an entry in ClinVar:

NM_000441.2(SLC26A4):c.416-4_425del

Gene: SLC26A4 (solute carrier family 26 member 4; plus strand). Cytogenetic location: 7q22.3.
Variant type: Deletion.
Coding change: c.416-4_425del on transcript NM_000441.2 (MANE Select); 4 bases into the intron before coding-DNA position 416 through coding-DNA position 425, 14 bases deleted (CCAGGACCTTTTCC).
Molecular consequence: splice acceptor variant.
Genome position (GRCh38, 1-based): chr7:107,674,160-107,674,173, CCAGGACCTTTTCC deleted; deleting any 14 consecutive bases within chr7:107,674,154-107,674,173 gives the same sequence; the c. name uses the placement nearest the transcript's 3' end. VCF-style (leftmost placement, unchanged base first): chr7-107674153-TTTTTCCCCAGGACC-T. GRCh37 (hg19) VCF-style: chr7-107314598-TTTTTCCCCAGGACC-T.
Identifiers: ClinVar variation 3647358 (VCV003647358.2).

ClinVar aggregate classification (germline): Likely pathogenic (1 of 4 stars; one submission).

Submission:

Labcorp Genetics (formerly Invitae), Labcorp
Classification: Likely pathogenic. Last evaluated: 2025-06-12. Review status: criteria provided, single submitter. Criteria: Invitae Variant Classification Sherloc (09022015). Collection method: clinical testing. Allele origin: germline.
Comment: This variant results in the deletion of part of exon 5 (c.416-4_425del) of the SLC26A4 gene. It is expected to disrupt RNA splicing. Variants that disrupt the donor or acceptor splice site typically lead to a loss of protein function (PMID: 16199547), and loss-of-function variants in SLC26A4 are known to be pathogenic (PMID: 16283880, 25394566, 26252218, 26445815). This variant is not present in population databases (gnomAD no frequency). This variant has not been reported in the literature in individuals affected with SLC26A4-related conditions. ClinVar contains an entry for this variant (Variation ID: 3647358). In summary, the currently available evidence indicates that the variant is pathogenic, but additional data are needed to prove that conclusively. Therefore, this variant has been classified as Likely Pathogenic.

Literature cited by the submitters: PubMed 16199547; PubMed 16283880; PubMed 25394566; PubMed 26252218; PubMed 26445815.